The following is an entry in ClinVar:

ClinVar aggregate classification (germline): Uncertain significance (1 of 4 stars; one submission).

Allele frequency attached by ClinVar (database versions not stated): gnomAD exomes 0.00001 and 0.00004; gnomAD 0.00002; TOPMed 0.00003.
gnomAD v4.1: 70 of 1,612,704 alleles (0.0043%); highest among the groups gnomAD compares: Non-Finnish European, 0.0051%; no homozygotes.

Submission:

Women's Health and Genetics/Laboratory Corporation of America, LabCorp
Classification: Uncertain significance. Last evaluated: 2019-10-04. Review status: criteria provided, single submitter. Criteria: LabCorp Variant Classification Summary - May 2015. Collection method: clinical testing. Allele origin: germline.
Comment: Variant summary: GAA c.1195-22C>T is located at a position not widely known to affect splicing. 5/5 computational tools predict no significant impact on normal splicing. However, these predictions have yet to be confirmed by functional studies. The variant allele was found at a frequency of 1.2e-05 in 248286 control chromosomes (gnomAD). The available data on variant occurrences in the general population are insufficient to allow any conclusion about variant significance. To our knowledge, no occurrence of c.1195-22C>T in individuals affected with Glycogen Storage Disease, Type 2 (Pompe Disease) and no experimental evidence demonstrating its impact on protein function have been reported. No clinical diagnostic laboratories have submitted clinical-significance assessments for this variant to ClinVar after 2014. Based on the evidence outlined above, the variant was classified as VUS-possibly benign.

NM_000152.5(GAA):c.1195-22C>T

Gene: GAA (alpha glucosidase; plus strand). Cytogenetic location: 17q25.3.
Variant type: single nucleotide variant.
Coding change: c.1195-22C>T on transcript NM_000152.5 (MANE Select); 22 bases into the intron before coding-DNA position 1195, C replaced by T.
Molecular consequence: intron variant.
Genome position (GRCh38, 1-based): chr17:80,108,675, C>T. VCF-style: chr17-80108675-C-T. GRCh37 (hg19) VCF-style: chr17-78082474-C-T.
Other names: c.1195-22C>T (NM_001079803.3, NM_001079804.3).
Identifiers: ClinVar variation 928707 (VCV000928707.1), dbSNP rs1038744830, ClinGen allele CA294892440.
Genomic context (GRCh38, chr17:80,108,675, plus strand): 5'-GGGGTGGTGGCAGGGGAGGCAAGGGGCTGGCCGGGACGCGTCTCCTCAGGCCCCAGCAGA[C>T]GGTCCCGTGTTGTGGCTGCAGGACGTCCAGTGGAACGACCTGGACTACATGGACTCCCGG-3'